The following is an entry in ClinVar:

ClinVar aggregate classification (germline): Uncertain significance. Review status: criteria provided, multiple submitters, no conflicts (2 of 4 stars). 2 submissions from 2 submitters: Uncertain significance (2). Last evaluated 2024-01-31.

Conditions:
Primary ciliary dyskinesia. Also called: Ciliary dyskinesia. Identifiers: Orphanet 244, MedGen C0008780, MONDO:0016575, HP:0012265.
Inborn genetic diseases. Identifiers: MedGen C0950123, MeSH D030342.

Allele frequency attached by ClinVar (database versions not stated): gnomAD exomes 0.00004 and 0.00002; ESP Exome Variant Server 0.00008; ExAC 0.00003; gnomAD 0.00010; TOPMed 0.00025.
gnomAD v4.1: 49 of 1,613,748 alleles (0.003%); highest among the groups gnomAD compares: African/African-American, 0.028%; no homozygotes.

Submissions (2):

Ambry Genetics
Classification: Uncertain significance for Inborn genetic diseases. Last evaluated: 2024-01-31. Review status: criteria provided, single submitter. Criteria: Ambry Variant Classification Scheme 2023. Collection method: clinical testing. Allele origin: germline.

Labcorp Genetics (formerly Invitae), Labcorp
Classification: Uncertain significance for Primary ciliary dyskinesia. Last evaluated: 2022-02-24. Review status: criteria provided, single submitter. Criteria: Invitae Variant Classification Sherloc (09022015). Collection method: clinical testing. Allele origin: germline.
Comment: This sequence change replaces arginine, which is basic and polar, with cysteine, which is neutral and slightly polar, at codon 464 of the DRC1 protein (p.Arg464Cys). This variant is present in population databases (rs377330459, gnomAD 0.03%). This variant has not been reported in the literature in individuals affected with DRC1-related conditions. ClinVar contains an entry for this variant (Variation ID: 454979). Algorithms developed to predict the effect of missense changes on protein structure and function are either unavailable or do not agree on the potential impact of this missense change (SIFT: "Tolerated"; PolyPhen-2: "Possibly Damaging"; Align-GVGD: "Class C0"). In summary, the available evidence is currently insufficient to determine the role of this variant in disease. Therefore, it has been classified as a Variant of Uncertain Significance.

NM_145038.5(DRC1):c.1390C>T (p.Arg464Cys)

Gene: DRC1 (dynein regulatory complex subunit 1; plus strand). Cytogenetic location: 2p23.3.
Variant type: single nucleotide variant.
Coding change: c.1390C>T on transcript NM_145038.5 (MANE Select); coding-DNA position 1390, C replaced by T.
Protein change: p.Arg464Cys; replaces arginine 464 with cysteine.
Molecular consequence: missense variant.
Genome position (GRCh38, 1-based): chr2:26,444,942, C>T. VCF-style: chr2-26444942-C-T. GRCh37 (hg19) VCF-style: chr2-26667810-C-T.
Other names: c.1390C>T (NM_145038.2); short protein forms R464C.
Identifiers: ClinVar variation 454979 (VCV000454979.7), dbSNP rs377330459, ClinGen allele CA1562213.